The following is an entry in ClinVar:

ClinVar aggregate classification (germline): Uncertain significance (1 of 4 stars; one submission).

Conditions:
Dyskeratosis congenita, autosomal recessive 5 (DKCB5). Identifiers: MedGen C3554656, MONDO:0014076, OMIM 615190.
Pulmonary fibrosis and/or bone marrow failure, Telomere-related, 3. Also called: PULMONARY FIBROSIS AND/OR BONE MARROW FAILURE SYNDROME, TELOMERE-RELATED, 3. Identifiers: Orphanet 2032, MedGen C4225346, MONDO:0014613, OMIM 616373.

Allele frequency attached by ClinVar (database versions not stated): gnomAD exomes below 0.00001 and 0.00001; TOPMed below 0.00001; ExAC 0.00001.
gnomAD v4.1: 8 of 1,612,420 alleles (0.0005%); highest among the groups gnomAD compares: Non-Finnish European, 0.00068%; no homozygotes.

Submission:

Labcorp Genetics (formerly Invitae), Labcorp
Classification: Uncertain significance for Dyskeratosis congenita, autosomal recessive 5; Pulmonary fibrosis and/or bone marrow failure, Telomere-related, 3. Last evaluated: 2021-10-12. Review status: criteria provided, single submitter. Criteria: Invitae Variant Classification Sherloc (09022015). Collection method: clinical testing. Allele origin: germline.
Comment: This sequence change replaces alanine with valine at codon 549 of the RTEL1 protein (p.Ala549Val). The alanine residue is weakly conserved and there is a small physicochemical difference between alanine and valine. This variant is present in population databases (rs752494712, ExAC 0.002%). This variant has not been reported in the literature in individuals affected with RTEL1-related conditions. Algorithms developed to predict the effect of missense changes on protein structure and function (SIFT, PolyPhen-2, Align-GVGD) all suggest that this variant is likely to be tolerated. In summary, the available evidence is currently insufficient to determine the role of this variant in disease. Therefore, it has been classified as a Variant of Uncertain Significance.

NM_001283009.2(RTEL1):c.1646C>T (p.Ala549Val)

Genes: RTEL1 (regulator of telomere elongation helicase 1; plus strand), RTEL1-TNFRSF6B (RTEL1-TNFRSF6B readthrough (NMD candidate); plus strand). Cytogenetic location: 20q13.33.
Variant type: single nucleotide variant.
Coding change: c.1646C>T on transcript NM_001283009.2 (MANE Select); coding-DNA position 1646, C replaced by T.
Protein change: p.Ala549Val; replaces alanine 549 with valine.
Molecular consequence: missense variant. On other transcripts: non-coding transcript variant (1).
Genome position (GRCh38, 1-based): chr20:63,688,310, C>T. VCF-style: chr20-63688310-C-T. GRCh37 (hg19) VCF-style: chr20-62319663-C-T.
Other names: c.977C>T, p.Ala326Val (NM_001283010.1); c.1646C>T, p.Ala549Val (NM_016434.4); c.1718C>T, p.Ala573Val (NM_032957.5); short protein forms A573V, A326V, A549V.
Identifiers: ClinVar variation 1426090 (VCV001426090.6), dbSNP rs752494712, ClinGen allele CA9964909.